The following is an entry in ClinVar:

NM_001363711.2(DUOX2):c.506G>A (p.Arg169Gln)

Gene: DUOX2 (dual oxidase 2; minus strand). Cytogenetic location: 15q21.1.
Variant type: single nucleotide variant.
Coding change: c.506G>A on transcript NM_001363711.2 (MANE Select); coding-DNA position 506, G replaced by A.
Protein change: p.Arg169Gln; replaces arginine 169 with glutamine.
Molecular consequence: missense variant.
Genome position (GRCh38, 1-based): chr15:45,111,775, C>T on the plus strand (G>A on the coding strand, the complement: DUOX2 is on the minus strand). VCF-style: chr15-45111775-C-T. GRCh37 (hg19) VCF-style: chr15-45403973-C-T.
Other names: c.506G>A (NM_014080.4); c.506G>A, p.Arg169Gln (NM_014080.5); short protein forms R169Q.
Identifiers: ClinVar variation 2416829 (VCV002416829.11), dbSNP rs753600344, ClinGen allele CA7538939.

ClinVar aggregate classification (germline): Conflicting classifications of pathogenicity. Review status: criteria provided, conflicting classifications (1 of 4 stars). 3 submissions from 3 submitters: Likely pathogenic (1); Uncertain significance (2). Last evaluated 2026-01-18.

Conditions:
Inborn genetic diseases. Identifiers: MedGen C0950123, MeSH D030342.
Thyroid dyshormonogenesis 6 (TDH6). Also called: Genetic transient congenital hypothyroidism; HYPOTHYROIDISM, CONGENITAL, DUE TO DYSHORMONOGENESIS, 6; THYROID HORMONOGENESIS, GENETIC DEFECT IN, 6. Identifiers: Orphanet 226316, Orphanet 95716, MedGen C1846632, MONDO:0011792, OMIM 607200.

Allele frequency attached by ClinVar (database versions not stated): TOPMed 0.00001; gnomAD exomes 0.00002; ExAC 0.00012.
gnomAD v4.1: 24 of 1,603,086 alleles (0.0015%); highest among the groups gnomAD compares: Admixed American, 0.027%; no homozygotes.

Submissions (3):

Labcorp Genetics (formerly Invitae), Labcorp
Classification: Likely pathogenic. Last evaluated: 2026-01-18. Review status: criteria provided, single submitter. Criteria: Invitae Variant Classification Sherloc (09022015). Collection method: clinical testing. Allele origin: germline.
Comment: This sequence change replaces arginine, which is basic and polar, with glutamine, which is neutral and polar, at codon 169 of the DUOX2 protein (p.Arg169Gln). This variant is present in population databases (rs753600344, gnomAD 0.04%). This variant has not been reported in the literature in individuals affected with DUOX2-related conditions. ClinVar contains an entry for this variant (Variation ID: 2416829). Invitae Evidence Modeling of protein sequence and biophysical properties (such as structural, functional, and spatial information, amino acid conservation, physicochemical variation, residue mobility, and thermodynamic stability) indicates that this missense variant is expected to disrupt DUOX2 protein function with a positive predictive value of 80%. This variant disrupts the p.Arg169 amino acid residue in DUOX2. Other variant(s) that disrupt this residue have been determined to be pathogenic (PMID: 34276565). This suggests that this residue is clinically significant, and that variants that disrupt this residue are likely to be disease-causing. In summary, the currently available evidence indicates that the variant is pathogenic, but additional data are needed to prove that conclusively. Therefore, this variant has been classified as Likely Pathogenic.

Ambry Genetics
Classification: Uncertain significance for Inborn genetic diseases. Last evaluated: 2025-05-13. Review status: criteria provided, single submitter. Criteria: Ambry Variant Classification Scheme 2023. Collection method: clinical testing. Allele origin: germline.

Revvity Omics, Revvity
Classification: Uncertain significance for Thyroid dyshormonogenesis 6. Last evaluated: 2024-07-02. Review status: criteria provided, single submitter. Criteria: ACMG Guidelines, 2015. Collection method: clinical testing. Allele origin: germline.

Literature cited by the submitters: PubMed 34276565 (cited by Labcorp Genetics (formerly Invitae), Labcorp).